The following is an entry in ClinVar:

ClinVar aggregate classification (germline): Conflicting classifications of pathogenicity. Review status: criteria provided, conflicting classifications (1 of 4 stars). 2 submissions from 2 submitters: Uncertain significance (1); Likely benign (1). Last evaluated 2021-08-28.

Conditions:
Glycogen storage disease IXb (GSD9B). Also called: GLYCOGENOSIS OF LIVER AND MUSCLE, AUTOSOMAL RECESSIVE; GSD IXb; PHOSPHORYLASE KINASE DEFICIENCY OF LIVER AND MUSCLE, AUTOSOMAL RECESSIVE. Identifiers: Orphanet 79240, MedGen C0543514, MONDO:0009868, OMIM 261750.

Allele frequency attached by ClinVar (database versions not stated): gnomAD 0.00007 and 0.00009; gnomAD exomes 0.00008 and 0.00013; TOPMed 0.00009; ExAC 0.00017; ESP Exome Variant Server 0.00025.
gnomAD v4.1: 120 of 1,612,150 alleles (0.0074%); highest among the groups gnomAD compares: Admixed American, 0.022%; no homozygotes.

Submissions (2):

Labcorp Genetics (formerly Invitae), Labcorp
Classification: Likely benign for Glycogen storage disease IXb. Last evaluated: 2021-08-28. Review status: criteria provided, single submitter. Criteria: Invitae Variant Classification Sherloc (09022015). Collection method: clinical testing. Allele origin: germline.

GeneDx
Classification: Uncertain significance. Last evaluated: 2020-01-03. Review status: criteria provided, single submitter. Criteria: GeneDx Variant Classification Process June 2021. Collection method: clinical testing. Allele origin: germline. Affected: yes.
Comment: Has not been previously published as pathogenic or benign to our knowledge; In silico analysis, which includes splice predictors and evolutionary conservation, supports that this variant does not alter protein structure/function

NM_000293.3(PHKB):c.2427+969C>T

Gene: PHKB (phosphorylase kinase regulatory subunit beta; plus strand). Cytogenetic location: 16q12.1.
Variant type: single nucleotide variant.
Coding change: c.2427+969C>T on transcript NM_000293.3 (MANE Select); 969 bases into the intron after coding-DNA position 2427, C replaced by T.
Molecular consequence: intron variant. On other transcripts: missense variant (2).
Genome position (GRCh38, 1-based): chr16:47,665,944, C>T. VCF-style: chr16-47665944-C-T. GRCh37 (hg19) VCF-style: chr16-47699855-C-T.
Other names: c.2318C>T, p.Ser773Leu (NM_001031835.3); c.2339C>T, p.Ser780Leu (NM_001363837.1); short protein forms S773L, S780L.
Identifiers: ClinVar variation 1311805 (VCV001311805.6), dbSNP rs1131063, ClinGen allele CA8041214.